The following is an entry in ClinVar:

ClinVar aggregate classification (germline): Conflicting classifications of pathogenicity. Review status: criteria provided, conflicting classifications (1 of 4 stars). 5 submissions from 5 submitters: Uncertain significance (4); Likely benign (1). Last evaluated 2025-12-26.

Conditions:
Hyperuricemia, pulmonary hypertension, renal failure, alkalosis syndrome (HUPRAS). Also called: HYPERURICEMIA, PULMONARY HYPERTENSION, RENAL FAILURE, AND ALKALOSIS SYNDROME; HUPRA SYNDROME. Identifiers: Orphanet 363694, MedGen C3151209, MONDO:0013458, OMIM 613845.

Allele frequency attached by ClinVar (database versions not stated): gnomAD 0.00010; gnomAD exomes 0.00010 and 0.00024; TOPMed 0.00013; 1000 Genomes Project 30x 0.00016; ExAC 0.00017; 1000 Genomes Project 0.00020; ESP Exome Variant Server 0.00023.
gnomAD v4.1: 184 of 1,613,890 alleles (0.011%); highest among the groups gnomAD compares: Non-Finnish European, 0.0031%; no homozygotes.

Submissions (5):

Labcorp Genetics (formerly Invitae), Labcorp
Classification: Likely benign. Last evaluated: 2025-12-26. Review status: criteria provided, single submitter. Criteria: Invitae Variant Classification Sherloc (09022015). Collection method: clinical testing. Allele origin: germline.

GeneDx
Classification: Uncertain significance. Last evaluated: 2025-11-17. Review status: criteria provided, single submitter. Criteria: GeneDx Variant Classification Process June 2021. Collection method: clinical testing. Allele origin: germline. Affected: yes.
Comment: In silico analysis supports that this missense variant has a deleterious effect on protein structure/function; Has not been previously published as pathogenic or benign to our knowledge

Fulgent Genetics
Classification: Uncertain significance for Hyperuricemia, pulmonary hypertension, renal failure, alkalosis syndrome. Last evaluated: 2022-04-17. Review status: criteria provided, single submitter. Criteria: ACMG Guidelines, 2015. Collection method: clinical testing. Allele origin: unknown.

Ambry Genetics
Classification: Uncertain significance. Last evaluated: 2022-01-03. Review status: criteria provided, single submitter. Criteria: Ambry Variant Classification Scheme 2023. Collection method: clinical testing. Allele origin: germline.

Illumina Laboratory Services, Illumina
Classification: Uncertain significance for Hyperuricemia, pulmonary hypertension, renal failure, alkalosis syndrome. Last evaluated: 2018-01-12. Review status: criteria provided, single submitter. Criteria: ICSL Variant Classification Criteria 13 December 2019. Collection method: clinical testing. Allele origin: germline.

NM_017827.4(SARS2):c.1292G>A (p.Arg431His)

Gene: SARS2 (seryl-tRNA synthetase 2, mitochondrial; minus strand). Cytogenetic location: 19q13.2.
Variant type: single nucleotide variant.
Coding change: c.1292G>A on transcript NM_017827.4 (MANE Select); coding-DNA position 1292, G replaced by A.
Protein change: p.Arg431His; replaces arginine 431 with histidine.
Molecular consequence: missense variant.
Genome position (GRCh38, 1-based): chr19:38,916,092, C>T on the plus strand (G>A on the coding strand, the complement: SARS2 is on the minus strand). VCF-style: chr19-38916092-C-T. GRCh37 (hg19) VCF-style: chr19-39406732-C-T.
Other names: c.1298G>A, p.Arg433His (NM_001145901.2); short protein forms R431H, R433H.
Identifiers: ClinVar variation 894086 (VCV000894086.14), dbSNP rs146193366, ClinGen allele CA9422787.